The following is an entry in ClinVar:

NM_000051.4(ATM):c.6283C>G (p.Leu2095Val)

Genes: C11orf65 (chromosome 11 open reading frame 65; minus strand), ATM (ATM serine/threonine kinase; plus strand). Cytogenetic location: 11q22.3.
Variant type: single nucleotide variant.
Coding change: c.6283C>G on transcript NM_000051.4 (MANE Select); coding-DNA position 6283, C replaced by G.
Protein change: p.Leu2095Val; replaces leucine 2095 with valine.
Molecular consequence: missense variant. On other transcripts: intron variant (2).
Genome position (GRCh38, 1-based): chr11:108,317,457, C>G. VCF-style: chr11-108317457-C-G. GRCh37 (hg19) VCF-style: chr11-108188184-C-G.
Other names: c.6283C>G, p.Leu2095Val (NM_001351834.2); c.641-8386G>C (NM_001330368.2); c.*39-8386G>C (NM_001351110.2); short protein forms L2095V.
Identifiers: ClinVar variation 923012 (VCV000923012.5), dbSNP rs2084785926, ClinGen allele CA382552016.

ClinVar aggregate classification (germline): Uncertain significance (1 of 4 stars; one submission).

Conditions:
Hereditary cancer-predisposing syndrome. Also called: Tumor predisposition; Neoplastic Syndromes, Hereditary; Hereditary neoplastic syndrome; Hereditary Cancer Syndrome. Identifiers: Orphanet 140162, MedGen C0027672, MeSH D009386, MONDO:0015356.

Submission:

Color Diagnostics, LLC DBA Color Health
Classification: Uncertain significance for Hereditary cancer-predisposing syndrome. Last evaluated: 2024-03-06. Review status: criteria provided, single submitter. Criteria: ACMG Guidelines, 2015. Collection method: clinical testing. Allele origin: germline.
Comment: This missense variant replaces leucine with valine at codon 2095 of the ATM protein. Computational prediction tool suggests that this variant may not impact protein structure and function (internally defined REVEL score threshold <=0.5, PMID: 27666373). Splice site prediction tools suggest that this variant may not impact RNA splicing. To our knowledge, functional studies have not been performed for this variant. This variant has not been reported in individuals affected with hereditary cancer in the literature. This variant has not been identified in the general population by the Genome Aggregation Database (gnomAD). The available evidence is insufficient to determine the role of this variant in disease conclusively. Therefore, this variant is classified as a Variant of Uncertain Significance.